The following is an entry in ClinVar:

NM_033056.4(PCDH15):c.5759C>G (p.Pro1920Arg)

Gene: PCDH15 (protocadherin related 15; minus strand). Cytogenetic location: 10q21.1.
Variant type: single nucleotide variant.
Coding change: c.5759C>G on transcript NM_033056.4 (MANE Plus Clinical); coding-DNA position 5759, C replaced by G.
Protein change: p.Pro1920Arg; replaces proline 1920 with arginine.
Molecular consequence: missense variant. On other transcripts: intron variant (8).
Genome position (GRCh38, 1-based): chr10:53,821,967, G>C on the plus strand (C>G on the coding strand, the complement: PCDH15 is on the minus strand). VCF-style: chr10-53821967-G-C. GRCh37 (hg19) VCF-style: chr10-55581727-G-C.
Other names: c.5780C>G, p.Pro1927Arg (NM_001142763.2); c.5765C>G, p.Pro1922Arg (NM_001142764.2); c.5552C>G, p.Pro1851Arg (NM_001142765.2); c.5750C>G, p.Pro1917Arg (NM_001142766.2); c.5639C>G, p.Pro1880Arg (NM_001142767.2); c.5699C>G, p.Pro1900Arg (NM_001142768.2); c.5690C>G, p.Pro1897Arg (NM_001142773.2); c.5693C>G, p.Pro1898Arg (NM_001354404.2); and 7 more; short protein forms P1898R, P1900R, P1917R, P1851R, P1920R, P1927R, P1880R, P1897R.
Identifiers: ClinVar variation 1428684 (VCV001428684.6), dbSNP rs2076296562, ClinGen allele CA376524282.
Genomic context (GRCh38, chr10:53,821,967, plus strand): 5'-ATATTGTTCAAACTCCCCTTGTTTTGTTCAGATGTGATTTCCATATTTGTTACTTCTGAA[G>C]GGCACATAGTTTGAAGTTCTGAAACATTTGTGCGTAGATAGTTTTTTTCTATTTGACTGT-3'
Protein context (NP_149045.3, residues 1910-1930): TNVSELQTMC[Pro1920Arg]SEVTNMEITS

ClinVar aggregate classification (germline): Uncertain significance (1 of 4 stars; one submission).

Allele frequency attached by ClinVar (database versions not stated): gnomAD exomes below 0.00001.
gnomAD v4.1: 1 of 1,613,818 alleles (0.000062%); highest among the groups gnomAD compares: Non-Finnish European, 0.000085%; no homozygotes.

Submission:

Labcorp Genetics (formerly Invitae), Labcorp
Classification: Uncertain significance. Last evaluated: 2023-12-11. Review status: criteria provided, single submitter. Criteria: Invitae Variant Classification Sherloc (09022015). Collection method: clinical testing. Allele origin: germline.
Comment: This sequence change replaces proline, which is neutral and non-polar, with arginine, which is basic and polar, at codon 1920 of the PCDH15 protein (p.Pro1920Arg). This variant is not present in population databases (gnomAD no frequency). This variant has not been reported in the literature in individuals affected with PCDH15-related conditions. ClinVar contains an entry for this variant (Variation ID: 1428684). Experimental studies and prediction algorithms are not available or were not evaluated, and the functional significance of this variant is currently unknown. In summary, the available evidence is currently insufficient to determine the role of this variant in disease. Therefore, it has been classified as a Variant of Uncertain Significance.